The following is an entry in ClinVar:

ClinVar aggregate classification (germline): Pathogenic (1 of 4 stars; one submission).

Conditions:
Rubinstein-Taybi syndrome (RSTS). Identifiers: Orphanet 783, MedGen C0035934, MONDO:0019188.

Submission:

Labcorp Genetics (formerly Invitae), Labcorp
Classification: Pathogenic for Rubinstein-Taybi syndrome. Last evaluated: 2022-07-25. Review status: criteria provided, single submitter. Criteria: Invitae Variant Classification Sherloc (09022015). Collection method: clinical testing. Allele origin: germline.
Comment: This sequence change creates a premature translational stop signal (p.Gln540*) in the CREBBP gene. It is expected to result in an absent or disrupted protein product. Loss-of-function variants in CREBBP are known to be pathogenic (PMID: 17052327, 18792986). This variant is not present in population databases (gnomAD no frequency). This variant has not been reported in the literature in individuals affected with CREBBP-related conditions. ClinVar contains an entry for this variant (Variation ID: 1452058). For these reasons, this variant has been classified as Pathogenic.

Literature cited by the submitters: PubMed 17052327; PubMed 18792986.

NM_004380.3(CREBBP):c.1618C>T (p.Gln540Ter)

Gene: CREBBP (CREB binding lysine acetyltransferase; minus strand). Cytogenetic location: 16p13.3.
Variant type: single nucleotide variant.
Coding change: c.1618C>T on transcript NM_004380.3 (MANE Select); coding-DNA position 1618, C replaced by T.
Protein change: p.Gln540Ter; replaces glutamine 540 with a stop codon.
Molecular consequence: nonsense.
Genome position (GRCh38, 1-based): chr16:3,781,262, G>A on the plus strand (C>T on the coding strand, the complement: CREBBP is on the minus strand). VCF-style: chr16-3781262-G-A. GRCh37 (hg19) VCF-style: chr16-3831263-G-A.
Other names: c.1504C>T, p.Gln502Ter (NM_001079846.1); short protein forms Q502*, Q540*.
Identifiers: ClinVar variation 1452058 (VCV001452058.6), dbSNP rs398124138, ClinGen allele CA394556891.